The following is an entry in ClinVar:

NM_003640.5(ELP1):c.3322A>G (p.Asn1108Asp)

Gene: ELP1 (elongator acetyltransferase complex subunit 1; minus strand). Cytogenetic location: 9q31.3.
Variant type: single nucleotide variant.
Coding change: c.3322A>G on transcript NM_003640.5 (MANE Select); coding-DNA position 3322, A replaced by G.
Protein change: p.Asn1108Asp; replaces asparagine 1108 with aspartic acid.
Molecular consequence: missense variant.
Genome position (GRCh38, 1-based): chr9:108,881,729, T>C on the plus strand (A>G on the coding strand, the complement: ELP1 is on the minus strand). VCF-style: chr9-108881729-T-C. GRCh37 (hg19) VCF-style: chr9-111644009-T-C.
Other names: c.2980A>G, p.Asn994Asp (NM_001318360.2); c.2275A>G, p.Asn759Asp (NM_001330749.2); short protein forms N1108D, N759D, N994D.
Identifiers: ClinVar variation 1330959 (VCV001330959.7), dbSNP rs2118946035, ClinGen allele CA374413138.

ClinVar aggregate classification (germline): Uncertain significance (1 of 4 stars; one submission).

Conditions:
Familial dysautonomia. Also called: HSAN III; FD. Identifiers: Orphanet 1764, MedGen C0013364, MONDO:0009131, OMIM 223900. Disease mechanism: loss of function.

Submission:

ARUP Laboratories, Molecular Genetics and Genomics, ARUP Laboratories
Classification: Uncertain significance for Familial dysautonomia. Last evaluated: 2021-01-13. Review status: criteria provided, single submitter. Criteria: ARUP Molecular Germline Variant Investigation Process 2021. Collection method: clinical testing. Allele origin: germline.
Comment: The ELP1 c.3322A>G; p.Asn1108Asp variant, to our knowledge, is not reported in the medical literature or gene specific databases. This variant is also absent from general population databases (Exome Variant Server, Genome Aggregation Database), indicating it is not a common polymorphism. The asparagine at codon 1108 is moderately conserved, but computational analyses predict that this variant is neutral (REVEL: 0.1). Due to limited information, the clinical significance of the p.Asn1108Asp variant is uncertain at this time.